The following is an entry in ClinVar:

NM_013247.5(HTRA2):c.148G>A (p.Val50Met)

Gene: HTRA2 (HtrA serine peptidase 2; plus strand). Cytogenetic location: 2p13.1.
Variant type: single nucleotide variant.
Coding change: c.148G>A on transcript NM_013247.5 (MANE Select); coding-DNA position 148, G replaced by A.
Protein change: p.Val50Met; replaces valine 50 with methionine.
Molecular consequence: missense variant. On other transcripts: non-coding transcript variant (1).
Genome position (GRCh38, 1-based): chr2:74,530,154, G>A. VCF-style: chr2-74530154-G-A. GRCh37 (hg19) VCF-style: chr2-74757281-G-A.
Other names: p.Val50Met; c.148G>A, p.Val50Met (NM_001321727.1, NM_001321728.1, NM_145074.2); c.148G>A (NM_013247.4); short protein forms V50M.
Identifiers: ClinVar variation 1402020 (VCV001402020.9), dbSNP rs1482606079, ClinGen allele CA347375940.
Genomic context (GRCh38, chr2:74,530,154, plus strand): 5'-CGTTTGACCCCTGACCTCCGGGCCCTGCTGACGTCAGGAACTTCTGACCCCCGGGCCCGA[G>A]TGACTTATGGGACCCCCAGTCTCTGGGCCCGGTTGTCTGTTGGGGTCACTGAACCCCGAG-3'
Protein context (NP_037379.1, residues 40-60): TSGTSDPRAR[Val50Met]TYGTPSLWAR

ClinVar aggregate classification (germline): Uncertain significance. Review status: criteria provided, multiple submitters, no conflicts (2 of 4 stars). 2 submissions from 2 submitters: Uncertain significance (2). Last evaluated 2025-03-03.

Allele frequency attached by ClinVar (database versions not stated): gnomAD exomes below 0.00001; TOPMed below 0.00001; gnomAD 0.00001.
gnomAD v4.1: 2 of 1,612,136 alleles (0.00012%); highest among the groups gnomAD compares: Non-Finnish European, 0.00017%; no homozygotes.

Submissions (2):

Mayo Clinic Laboratories, Mayo Clinic
Classification: Uncertain significance. Last evaluated: 2025-03-03. Review status: criteria provided, single submitter. Criteria: ACMG Guidelines, 2015. Collection method: clinical testing. Allele origin: germline. Observed: 1 variant allele.
Comment: BP4

Labcorp Genetics (formerly Invitae), Labcorp
Classification: Uncertain significance. Last evaluated: 2021-03-26. Review status: criteria provided, single submitter. Criteria: Invitae Variant Classification Sherloc (09022015). Collection method: clinical testing. Allele origin: germline.
Comment: This sequence change replaces valine with methionine at codon 50 of the HTRA2 protein (p.Val50Met). The valine residue is weakly conserved and there is a small physicochemical difference between valine and methionine. This variant is not present in population databases (ExAC no frequency). This variant has not been reported in the literature in individuals with HTRA2-related conditions. Algorithms developed to predict the effect of missense changes on protein structure and function output the following: SIFT: "Tolerated"; PolyPhen-2: "Benign"; Align-GVGD: "Class C0". The methionine amino acid residue is found in multiple mammalian species, suggesting that this missense change does not adversely affect protein function. These predictions have not been confirmed by published functional studies and their clinical significance is uncertain. In summary, the available evidence is currently insufficient to determine the role of this variant in disease. Therefore, it has been classified as a Variant of Uncertain Significance.